The following is an entry in ClinVar:

NM_152424.4(AMER1):c.867_868del (p.Lys292fs)

Gene: AMER1 (APC membrane recruitment protein 1; minus strand). Cytogenetic location: Xq11.2.
Variant type: Deletion.
Coding change: c.867_868del on transcript NM_152424.4 (MANE Select); coding-DNA positions 867 to 868, 2 bases deleted (AG; older notation c.867_868delAG).
Protein change: p.Lys292fs; shifts the reading frame from lysine 292.
Molecular consequence: frameshift variant.
Genome position (GRCh38, 1-based): chrX:64,192,419-64,192,420, CT deleted on the plus strand (AG on the coding strand, the reverse complement: AMER1 is on the minus strand). VCF-style (leftmost placement, unchanged base first): chrX-64192418-CCT-C. GRCh37 (hg19) VCF-style: chrX-63412298-CCT-C.
Other names: short protein forms K292fs.
Identifiers: ClinVar variation 1219202 (VCV001219202.6), dbSNP rs2147089573, ClinGen allele CA2499226800.

ClinVar aggregate classification (germline): Pathogenic. Review status: criteria provided, multiple submitters, no conflicts (2 of 4 stars). 2 submissions from 2 submitters: Pathogenic (2). Last evaluated 2025-01-15.

Submissions (2):

Labcorp Genetics (formerly Invitae), Labcorp
Classification: Pathogenic. Last evaluated: 2025-01-15. Review status: criteria provided, single submitter. Criteria: Invitae Variant Classification Sherloc (09022015). Collection method: clinical testing. Allele origin: germline.
Comment: This sequence change creates a premature translational stop signal (p.Lys292Glyfs*31) in the AMER1 gene. While this is not anticipated to result in nonsense mediated decay, it is expected to disrupt the last 844 amino acid(s) of the AMER1 protein. This variant is not present in population databases (gnomAD no frequency). This premature translational stop signal has been observed in individual(s) with clinical features of osteopathia striata congenita with cranial sclerosis (PMID: 19079258, 34414661). In at least one individual the variant was observed to be de novo. It has also been observed to segregate with disease in related individuals. This variant is also known as T289fs+33X. ClinVar contains an entry for this variant (Variation ID: 1219202). For these reasons, this variant has been classified as Pathogenic.

GeneDx
Classification: Pathogenic. Last evaluated: 2019-05-10. Review status: criteria provided, single submitter. Criteria: GeneDx Variant Classification Process June 2021. Collection method: clinical testing. Allele origin: germline. Affected: yes.
Comment: Identified in individuals with osteopathia striata with cranial sclerosis in published literature (Jenkins et al., 2009; Vasiljevic et al., 2015); Frameshift variant in the C-terminus predicted to result in protein truncation, as the last 844 amino acids are lost and replaced with 30 incorrect amino acids (Stenson et al., 2014); Not observed in large population cohorts (Lek et al., 2016); This variant is associated with the following publications: (PMID: 25284440, 19079258)

Literature cited by the submitters: PubMed 19079258 (cited by Labcorp Genetics (formerly Invitae), Labcorp); PubMed 34414661 (cited by Labcorp Genetics (formerly Invitae), Labcorp).